The following is an entry in ClinVar:

NM_000553.6(WRN):c.3820-2A>C

Gene: WRN (WRN RecQ like helicase; plus strand). Cytogenetic location: 8p12.
Variant type: single nucleotide variant.
Coding change: c.3820-2A>C on transcript NM_000553.6 (MANE Select); the canonical splice acceptor site of the intron before coding-DNA position 3820, A replaced by C.
Molecular consequence: splice acceptor variant.
Genome position (GRCh38, 1-based): chr8:31,157,366, A>C. VCF-style: chr8-31157366-A-C. GRCh37 (hg19) VCF-style: chr8-31014882-A-C.
Identifiers: ClinVar variation 835765 (VCV000835765.8), dbSNP rs759685032, ClinGen allele CA370929264.

ClinVar aggregate classification (germline): Likely pathogenic (1 of 4 stars; one submission).

Conditions:
Werner syndrome (WRN). Identifiers: Orphanet 902, MedGen C0043119, MONDO:0010196, OMIM 277700.

Allele frequency attached by ClinVar (database versions not stated): TOPMed below 0.00001.

Submission:

Labcorp Genetics (formerly Invitae), Labcorp
Classification: Likely pathogenic for Werner syndrome. Last evaluated: 2019-12-13. Review status: criteria provided, single submitter. Criteria: Invitae Variant Classification Sherloc (09022015). Collection method: clinical testing. Allele origin: germline.
Comment: Donor and acceptor splice site variants typically lead to a loss of protein function (PMID: 16199547), and loss-of-function variants in WRN are known to be pathogenic (PMID: 16673358). In summary, the currently available evidence indicates that the variant is pathogenic, but additional data are needed to prove that conclusively. Therefore, this variant has been classified as Likely Pathogenic. Algorithms developed to predict the effect of sequence changes on RNA splicing suggest that this variant may disrupt the consensus splice site, but this prediction has not been confirmed by published transcriptional studies. This variant has not been reported in the literature in individuals with WRN-related conditions. This variant is not present in population databases (ExAC no frequency). This sequence change affects an acceptor splice site in intron 32 of the WRN gene. It is expected to disrupt RNA splicing and likely results in an absent or disrupted protein product.

Literature cited by the submitters: PubMed 16199547; PubMed 16673358.